The following is an entry in ClinVar:

NM_014249.4(NR2E3):c.843C>T (p.Pro281=)

Gene: NR2E3 (nuclear receptor subfamily 2 group E member 3; plus strand). Cytogenetic location: 15q23.
Variant type: single nucleotide variant.
Coding change: c.843C>T on transcript NM_014249.4 (MANE Select); coding-DNA position 843, C replaced by T.
Protein change: p.Pro281=; no amino-acid change (proline 281 retained).
Molecular consequence: synonymous variant.
Genome position (GRCh38, 1-based): chr15:71,813,484, C>T. VCF-style: chr15-71813484-C-T. GRCh37 (hg19) VCF-style: chr15-72105824-C-T.
Other names: c.843C>T, p.Pro281= (NM_016346.4).
Identifiers: ClinVar variation 740115 (VCV000740115.18), dbSNP rs555211505, ClinGen allele CA7640409.

ClinVar aggregate classification (germline): Conflicting classifications of pathogenicity. Review status: criteria provided, conflicting classifications (1 of 4 stars). 7 submissions from 6 submitters: Uncertain significance (2); Likely benign (4). 1 of the submissions does not count toward it. Last evaluated 2025-11-25.

Conditions:
Retinal dystrophy. Also called: Inherited retinal dystrophy. Identifiers: Orphanet 71862, MedGen C0854723, MeSH D058499, MONDO:0019118, HP:0000556.
Retinitis pigmentosa 37 (RP37). Identifiers: Orphanet 791, MedGen C1970163, MONDO:0012625, OMIM 611131.
Goldmann-Favre syndrome. Identifiers: Orphanet 53540, MedGen C0339541, MONDO:0100289.
Enhanced S-cone syndrome (ESCS). Identifiers: Orphanet 53540, MedGen C1849394, MONDO:0100288, MONDO:0009989.
NR2E3-related disorder. Also called: NR2E3-related disorders; NR2E3-related condition. Identifiers: MedGen CN239387.

Allele frequency attached by ClinVar (database versions not stated): gnomAD 0.00009 and 0.00011; TOPMed 0.00010; ExAC 0.00011; gnomAD exomes 0.00012; 1000 Genomes Project 0.00040; 1000 Genomes Project 30x 0.00062.
gnomAD v4.1: 97 of 1,611,054 alleles (0.006%); highest among the groups gnomAD compares: East Asian, 0.17%; no homozygotes.

Submissions (7):

Labcorp Genetics (formerly Invitae), Labcorp
Classification: Likely benign. Last evaluated: 2025-11-25. Review status: criteria provided, single submitter. Criteria: Invitae Variant Classification Sherloc (09022015). Collection method: clinical testing. Allele origin: germline.

PreventionGenetics, part of Exact Sciences
Classification: Likely benign for NR2E3-related condition. Last evaluated: 2025-10-19. Review status: criteria provided, single submitter. Criteria: ACMG Guidelines, 2015. Collection method: clinical testing. Allele origin: germline.
Comment: This variant is classified as likely benign based on ACMG/AMP sequence variant interpretation guidelines (Richards et al. 2015 PMID: 25741868, with internal and published modifications).

Blueprint Genetics
Classification: Likely benign. Last evaluated: 2024-09-18. Review status: criteria provided, single submitter. Criteria: ACMG Guidelines, 2015. Collection method: clinical testing. Allele origin: germline.

Dept Of Ophthalmology, Nagoya University
Classification: Likely benign for Retinal dystrophy. Last evaluated: 2023-10-01. Review status: criteria provided, single submitter. Criteria: Submitter's publication. Collection method: research. Allele origin: germline. Affected: yes.

Illumina Laboratory Services, Illumina
Classification: Uncertain significance for Retinitis pigmentosa 37. Last evaluated: 2017-09-29. Review status: criteria provided, single submitter. Criteria: ICSL Variant Classification Criteria 13 December 2019. Collection method: clinical testing. Allele origin: germline.
Comment: This variant was observed as part of a predisposition screen in an ostensibly healthy population. A literature search was performed for the gene, cDNA change, and amino acid change (where applicable). Publications were found based on this search. However, the evidence from the literature, in combination with allele frequency data from public databases where available, was not sufficient to rule this variant in or out of causing disease. Therefore, this variant is classified as a variant of unknown significance.

Illumina Laboratory Services, Illumina
Classification: Uncertain significance for ENHANCED S-CONE SYNDROME 1. Last evaluated: 2017-04-28. Review status: criteria provided, single submitter. Criteria: ICSL Variant Classification Criteria 13 December 2019. Collection method: clinical testing. Allele origin: germline.

Natera, Inc.
Classification: Likely benign for Goldmann-Favre syndrome. Last evaluated: 2020-09-16. Review status: no assertion criteria provided. Collection method: clinical testing. Allele origin: germline. Not counted in ClinVar's aggregate classification.

Literature cited by the submitters: PubMed 19933183 (cited by Illumina Laboratory Services, Illumina).